The following is an entry in ClinVar:

NM_006623.4(PHGDH):c.1143G>C (p.Glu381Asp)

Gene: PHGDH (phosphoglycerate dehydrogenase; plus strand). Cytogenetic location: 1p12.
Variant type: single nucleotide variant.
Coding change: c.1143G>C on transcript NM_006623.4 (MANE Select); coding-DNA position 1143, G replaced by C.
Protein change: p.Glu381Asp; replaces glutamic acid 381 with aspartic acid.
Molecular consequence: missense variant.
Genome position (GRCh38, 1-based): chr1:119,741,831, G>C. VCF-style: chr1-119741831-G-C. GRCh37 (hg19) VCF-style: chr1-120284454-G-C.
Other names: c.1143G>C (NM_006623.3); short protein forms E381D.
Identifiers: ClinVar variation 1407898 (VCV001407898.6), dbSNP rs774132406, ClinGen allele CA341852994.

ClinVar aggregate classification (germline): Conflicting classifications of pathogenicity. Review status: criteria provided, conflicting classifications (1 of 4 stars). 2 submissions from 2 submitters: Uncertain significance (1); Likely benign (1). Last evaluated 2025-03-28.

Conditions:
PHGDH deficiency. Identifiers: Orphanet 79351, MedGen C1866174, MONDO:0011152, OMIM 601815.
Inborn genetic diseases. Identifiers: MedGen C0950123, MeSH D030342.

Allele frequency attached by ClinVar (database versions not stated): gnomAD exomes below 0.00001 and 0.00001; TOPMed below 0.00001; gnomAD 0.00001.

Submissions (2):

Ambry Genetics
Classification: Likely benign for Inborn genetic diseases. Last evaluated: 2025-03-28. Review status: criteria provided, single submitter. Criteria: Ambry Variant Classification Scheme 2023. Collection method: clinical testing. Allele origin: germline.

Labcorp Genetics (formerly Invitae), Labcorp
Classification: Uncertain significance for PHGDH deficiency. Last evaluated: 2022-07-30. Review status: criteria provided, single submitter. Criteria: Invitae Variant Classification Sherloc (09022015). Collection method: clinical testing. Allele origin: germline.
Comment: This sequence change replaces glutamic acid, which is acidic and polar, with aspartic acid, which is acidic and polar, at codon 381 of the PHGDH protein (p.Glu381Asp). This variant is present in population databases (no rsID available, gnomAD 0.002%), including at least one homozygous and/or hemizygous individual. This variant has not been reported in the literature in individuals affected with PHGDH-related conditions. ClinVar contains an entry for this variant (Variation ID: 1407898). Algorithms developed to predict the effect of missense changes on protein structure and function output the following: SIFT: "Tolerated"; PolyPhen-2: "Benign"; Align-GVGD: "Class C0". The aspartic acid amino acid residue is found in multiple mammalian species, which suggests that this missense change does not adversely affect protein function. In summary, the available evidence is currently insufficient to determine the role of this variant in disease. Therefore, it has been classified as a Variant of Uncertain Significance.